The following is an entry in ClinVar:

ClinVar aggregate classification (germline): Pathogenic (1 of 4 stars; one submission).

Conditions:
X-linked Alport syndrome (ATS1). Also called: NEPHROPATHY AND DEAFNESS, X-LINKED; COL4A5-Related Nephropathy. Identifiers: Orphanet 63, Orphanet 88917, MedGen C4746986, MONDO:0010520, OMIM 301050.

Submission:

Myriad Genetics, Inc.
Classification: Pathogenic for X-linked Alport syndrome. Last evaluated: 2023-09-27. Review status: criteria provided, single submitter. Criteria: Myriad Autosomal Dominant, Autosomal Recessive and X-Linked Classification Criteria (2023). Collection method: clinical testing. Allele origin: unknown.
Comment: NM_000495.4(COL4A5):c.2852dupC(P952Sfs*59) is expected to be pathogenic in the context of X-linked Alport syndrome. This variant is predicted to lead to an abnormal or absent protein product due to the creation of a premature termination codon in COL4A5, a gene where loss-of-function variants are known to be pathogenic. Please note: this variant was assessed in the context of healthy population screening.

NM_033380.3(COL4A5):c.2852dup (p.Pro952fs)

Gene: COL4A5 (collagen type IV alpha 5 chain; plus strand). Cytogenetic location: Xq22.3.
Variant type: Duplication.
Coding change: c.2852dup on transcript NM_033380.3 (MANE Select); coding-DNA position 2852, one base duplicated (C; older notation c.2852dupC).
Protein change: p.Pro952fs; shifts the reading frame from proline 952.
Molecular consequence: frameshift variant.
Genome position (GRCh38, 1-based): chrX:108,622,760, C duplicated; the last of 3 consecutive C bases (chrX:108,622,758-108,622,760); duplicating any one gives the same sequence. VCF-style (leftmost placement, unchanged base first): chrX-108622757-G-GC. GRCh37 (hg19) VCF-style: chrX-107865987-G-GC.
Other names: c.2852dup, p.Pro952fs (NM_000495.5); short protein forms P952fs.
Identifiers: ClinVar variation 5012143 (VCV005012143.1).